The following is an entry in ClinVar:

NM_016507.4(CDK12):c.1444A>G (p.Lys482Glu)

Gene: CDK12 (cyclin dependent kinase 12; plus strand). Cytogenetic location: 17q12.
Variant type: single nucleotide variant.
Coding change: c.1444A>G on transcript NM_016507.4 (MANE Select); coding-DNA position 1444, A replaced by G.
Protein change: p.Lys482Glu; replaces lysine 482 with glutamic acid.
Molecular consequence: missense variant.
Genome position (GRCh38, 1-based): chr17:39,471,276, A>G. VCF-style: chr17-39471276-A-G. GRCh37 (hg19) VCF-style: chr17-37627529-A-G.
Other names: c.1444A>G, p.Lys482Glu (NM_015083.4); short protein forms K482E.
Identifiers: ClinVar variation 4868490 (VCV004868490.1).

ClinVar aggregate classification (germline): Uncertain significance (1 of 4 stars; one submission).

gnomAD v4.1: 2 of 1,612,834 alleles (0.00012%); highest among the groups gnomAD compares: South Asian, 0.0022%; no homozygotes.

Submission:

Ambry Genetics
Classification: Uncertain significance. Last evaluated: 2026-04-16. Review status: criteria provided, single submitter. Criteria: Ambry Variant Classification Scheme 2023. Collection method: clinical testing. Allele origin: germline.
Comment: The p.K482E variant (also known as c.1444A>G), located in coding exon 2 of the CDK12 gene, results from an A to G substitution at nucleotide position 1444. The lysine at codon 482 is replaced by glutamic acid, an amino acid with similar properties. This amino acid position is conserved. In addition, this alteration is predicted to be tolerated by in silico analysis. Based on the available evidence, the clinical significance of this variant remains unclear.